The following is an entry in ClinVar:

NM_006420.3(ARFGEF2):c.2940C>T (p.Thr980=)

Gene: ARFGEF2 (ARF guanine nucleotide exchange factor 2; plus strand). Cytogenetic location: 20q13.13.
Variant type: single nucleotide variant.
Coding change: c.2940C>T on transcript NM_006420.3 (MANE Select); coding-DNA position 2940, C replaced by T.
Protein change: p.Thr980=; no amino-acid change (threonine 980 retained).
Molecular consequence: synonymous variant.
Genome position (GRCh38, 1-based): chr20:48,991,165, C>T. VCF-style: chr20-48991165-C-T. GRCh37 (hg19) VCF-style: chr20-47607702-C-T.
Identifiers: ClinVar variation 434283 (VCV000434283.38), dbSNP rs41296217, ClinGen allele CA9898773.
Genomic context (GRCh38, chr20:48,991,165, plus strand): 5'-CACAGAAATGAAGCAGAAAAACATCGACACCATTAAGACGCTTATCACAGTGGCTCACAC[C>T]GATGGCAACTACCTTGGGAATTCCTGGCATGAGGTACGTGTCTCTTTGAATTGCCTTTTC-3'
Protein context (NP_006411.2, residues 970-990): TIKTLITVAH[Thr980=]DGNYLGNSWH

ClinVar aggregate classification (germline): Likely benign. Review status: criteria provided, multiple submitters, no conflicts (2 of 4 stars). 5 submissions from 5 submitters: Likely benign (5). Last evaluated 2025-08-04.

Allele frequency attached by ClinVar (database versions not stated): ESP Exome Variant Server 0.00023; ExAC 0.00027; gnomAD exomes 0.00027 and 0.00054; gnomAD 0.00031 and 0.00032; TOPMed 0.00038; 1000 Genomes Project 0.00040; 1000 Genomes Project 30x 0.00047.
gnomAD v4.1: 826 of 1,614,194 alleles (0.051%); highest among the groups gnomAD compares: Non-Finnish European, 0.065%; 1 homozygote.

Submissions (5):

Labcorp Genetics (formerly Invitae), Labcorp
Classification: Likely benign. Last evaluated: 2025-08-04. Review status: criteria provided, single submitter. Criteria: Invitae Variant Classification Sherloc (09022015). Collection method: clinical testing. Allele origin: germline.

Blueprint Genetics
Classification: Likely benign. Last evaluated: 2024-10-16. Review status: criteria provided, single submitter. Criteria: ACMG Guidelines, 2015. Collection method: clinical testing. Allele origin: germline.

CeGaT Center for Human Genetics Tuebingen
Classification: Likely benign. Last evaluated: 2022-07-01. Review status: criteria provided, single submitter. Criteria: CeGaT Center For Human Genetics Tuebingen Variant Classification Criteria Version 2. Collection method: clinical testing. Allele origin: germline. Affected: yes. Observed: 1 variant allele.
Comment: ARFGEF2: BP4, BP7

GeneDx
Classification: Likely benign. Last evaluated: 2021-01-30. Review status: criteria provided, single submitter. Criteria: GeneDx Variant Classification Process June 2021. Collection method: clinical testing. Allele origin: germline. Affected: yes.

Genetic Services Laboratory, University of Chicago
Classification: Likely benign. Last evaluated: 2017-04-24. Review status: criteria provided, single submitter. Criteria: ACMG Guidelines, 2015. Collection method: clinical testing. Allele origin: germline. Affected: no.